The following is an entry in ClinVar:

ClinVar aggregate classification (germline): Likely benign (1 of 4 stars; one submission).

Conditions:
Familial infantile myoclonic epilepsy (FIME). Also called: TBC1D24-Related Familial Infantile Myoclonic Epilepsy (FIME); Epilepsy, Myoclonic, Infantile. Identifiers: Orphanet 352582, MedGen C0917800, MONDO:0011506, OMIM 605021.

Allele frequency attached by ClinVar (database versions not stated): TOPMed 0.00022; 1000 Genomes Project 30x 0.00094; gnomAD 0.00021 and 0.00020; 1000 Genomes Project 0.00060.

Submission:

Illumina Laboratory Services, Illumina
Classification: Likely benign for Familial infantile myoclonic epilepsy. Last evaluated: 2018-01-13. Review status: criteria provided, single submitter. Criteria: ICSL Variant Classification Criteria 13 December 2019. Collection method: clinical testing. Allele origin: germline.
Comment: This variant was observed in the ICSL laboratory as part of a predisposition screen in an ostensibly healthy population. It had not been previously curated by ICSL or reported in the Human Gene Mutation Database (HGMD: prior to June 1st, 2018), and was therefore a candidate for classification through an automated scoring system. Utilizing variant allele frequency, disease prevalence and penetrance estimates, and inheritance mode, an automated score was calculated to assess if this variant is too frequent to cause the disease. Based on the score and internal cut-off values, a variant classified as likely benign is not then subjected to further curation. The score for this variant resulted in a classification of likely benign for this disease.

NM_001199107.2(TBC1D24):c.*2001A>G

Gene: TBC1D24 (TBC1 domain family member 24; plus strand). Cytogenetic location: 16p13.3.
Variant type: single nucleotide variant.
Coding change: c.*2001A>G on transcript NM_001199107.2 (MANE Select); 2001 bases downstream of the stop codon, A replaced by G.
Molecular consequence: 3 prime UTR variant.
Genome position (GRCh38, 1-based): chr16:2,502,959, A>G. VCF-style: chr16-2502959-A-G. GRCh37 (hg19) VCF-style: chr16-2552960-A-G.
Other names: c.*2001A>G (NM_020705.3).
Identifiers: ClinVar variation 318659 (VCV000318659.5), dbSNP rs529770652, ClinGen allele CA10637451.